The following is an entry in ClinVar:

ClinVar aggregate classification (germline): Uncertain significance. Review status: criteria provided, multiple submitters, no conflicts (2 of 4 stars). 3 submissions from 3 submitters: Uncertain significance (3). Last evaluated 2026-08-06.

Conditions:
Cerebrooculofacioskeletal syndrome 3 (COFS3). Identifiers: MedGen C1851443, MONDO:0014696, OMIM 616570.
Hereditary cancer-predisposing syndrome. Also called: Hereditary Cancer Syndrome; Neoplastic Syndromes, Hereditary; Tumor predisposition; Hereditary neoplastic syndrome. Identifiers: Orphanet 140162, MedGen C0027672, MeSH D009386, MONDO:0015356.
Xeroderma pigmentosum, group G (XPG). Also called: XERODERMA PIGMENTOSUM VII; XP, GROUP G; Xeroderma pigmentosum type 7; ERCC5-Related Xeroderma Pigmentosum. Identifiers: MedGen C0268141, MONDO:0010216, OMIM 278780.

Allele frequency attached by ClinVar (database versions not stated): ExAC 0.00010; gnomAD exomes 0.00011 and 0.00003; 1000 Genomes Project 30x 0.00016; 1000 Genomes Project 0.00020; gnomAD 0.00006 and 0.00007; TOPMed 0.00008.
gnomAD v4.1: 60 of 1,614,158 alleles (0.0037%); highest among the groups gnomAD compares: Admixed American, 0.045%; no homozygotes.

Submissions (3):

OLLIN Analises Genomicas, OLLIN
Classification: Uncertain significance for Cerebrooculofacioskeletal syndrome 3. Last evaluated: 2026-08-06. Review status: criteria provided, single submitter. Criteria: ACMG Guidelines 2015 PMID 25741868. Collection method: clinical testing. Allele origin: germline.
Comment: This missense variant, located in exon 15 (of 15), has been reported in ClinVar (accession VCV000310940.6) and in gnomAD with an allele frequency of 0.0037%. However, to our knowledge, it has not been reported in the scientific literature. In silico analysis predicts that this variant has a tolerated effect. According to the currently available evidence, this variant has been classified as uncertain significance (PM2_P, BP4_S).

Sema4
Classification: Uncertain significance for Hereditary cancer-predisposing syndrome. Last evaluated: 2021-12-28. Review status: criteria provided, single submitter. Criteria: Sema4 Curation Guidelines. Collection method: curation. Allele origin: germline.
Comment: The ERCC5 c.3412G>A (p.V1138M) variant has not been reported in the literature to our knowledge. It was observed in 22/34558 chromosomes of the Latino subpopulation, with no homozygotes, in the large and broad cohorts of the Genome Aggregation Database (PMID: 32461654). The variant has been reported in ClinVar (Variation ID 310940). In silico tools suggest the impact of the variant on protein function is benign, though these predictions have not been confirmed by functional studies. The evidence is insufficient to meet ACMG/AMP criteria for classifying the variant as benign or pathogenic. Thus, the clinical significance of this variant is currently uncertain.

Illumina Laboratory Services, Illumina
Classification: Uncertain significance for Xeroderma pigmentosum, group G. Last evaluated: 2018-01-12. Review status: criteria provided, single submitter. Criteria: ICSL Variant Classification Criteria 13 December 2019. Collection method: clinical testing. Allele origin: germline.

NM_000123.4(ERCC5):c.3412G>A (p.Val1138Met)

Genes: BIVM-ERCC5 (BIVM-ERCC5 readthrough; plus strand), ERCC5 (ERCC excision repair 5, endonuclease; plus strand). Cytogenetic location: 13q33.1.
Variant type: single nucleotide variant.
Coding change: c.3412G>A on transcript NM_000123.4 (MANE Select); coding-DNA position 3412, G replaced by A.
Protein change: p.Val1138Met; replaces valine 1138 with methionine.
Molecular consequence: missense variant.
Genome position (GRCh38, 1-based): chr13:102,875,754, G>A. VCF-style: chr13-102875754-G-A. GRCh37 (hg19) VCF-style: chr13-103528104-G-A.
Other names: c.4774G>A, p.Val1592Met (NM_001204425.2); short protein forms V1138M, V1592M.
Identifiers: ClinVar variation 310940 (VCV000310940.7), dbSNP rs140930348, ClinGen allele CA7041890.
Genomic context (GRCh38, chr13:102,875,754, plus strand): 5'-GCTGCGAAAGAGCCAAAAACCAGTGCTTCAGATTCGCAGAACTCAGTGAAGGAAGCTCCC[G>A]TGAAGAATGGAGGTGCGACCACCAGCAGCTCTAGTGATAGTGATGACGATGGAGGGAAAG-3'
Protein context (NP_000114.3, residues 1128-1148): DSQNSVKEAP[Val1138Met]KNGGATTSSS